The following is an entry in ClinVar:

ClinVar aggregate classification (germline): Pathogenic (1 of 4 stars; one submission).

Submission:

Labcorp Genetics (formerly Invitae), Labcorp
Classification: Pathogenic. Last evaluated: 2022-10-05. Review status: criteria provided, single submitter. Criteria: Invitae Variant Classification Sherloc (09022015). Collection method: clinical testing. Allele origin: germline.
Comment: This sequence change creates a premature translational stop signal (p.Ile114Serfs*163) in the CNGB1 gene. It is expected to result in an absent or disrupted protein product. Loss-of-function variants in CNGB1 are known to be pathogenic (PMID: 15557452, 24043777). This variant is not present in population databases (gnomAD no frequency). This variant has not been reported in the literature in individuals affected with CNGB1-related conditions. ClinVar contains an entry for this variant (Variation ID: 1071667). For these reasons, this variant has been classified as Pathogenic.

Literature cited by the submitters: PubMed 15557452; PubMed 24043777.

NM_001297.5(CNGB1):c.339del (p.Ile114fs)

Gene: CNGB1 (cyclic nucleotide gated channel subunit beta 1; minus strand). Cytogenetic location: 16q21.
Variant type: Deletion.
Coding change: c.339del on transcript NM_001297.5 (MANE Select); coding-DNA position 339, one base deleted (G; older notation c.339delG).
Protein change: p.Ile114fs; shifts the reading frame from isoleucine 114.
Molecular consequence: frameshift variant.
Genome position (GRCh38, 1-based): chr16:57,963,016, C deleted on the plus strand (G on the coding strand, the reverse complement: CNGB1 is on the minus strand). VCF-style (leftmost placement, unchanged base first): chr16-57963015-TC-T. GRCh37 (hg19) VCF-style: chr16-57996919-TC-T.
Other names: c.339del, p.Ile114fs (NM_001135639.2, NM_001286130.2); short protein forms I114fs.
Identifiers: ClinVar variation 1071667 (VCV001071667.7), dbSNP rs2149388002, ClinGen allele CA2499223617.